The following is an entry in ClinVar:

NM_001243133.2(NLRP3):c.1873C>A (p.Gln625Lys)

Gene: NLRP3 (NLR family pyrin domain containing 3; plus strand). Cytogenetic location: 1q44.
Variant type: single nucleotide variant.
Coding change: c.1873C>A on transcript NM_001243133.2 (MANE Select); coding-DNA position 1873, C replaced by A.
Protein change: p.Gln625Lys; replaces glutamine 625 with lysine.
Molecular consequence: missense variant.
Genome position (GRCh38, 1-based): chr1:247,425,322, C>A. VCF-style: chr1-247425322-C-A. GRCh37 (hg19) VCF-style: chr1-247588624-C-A.
Other names: c.1873C>A, p.Gln625Lys (NM_001079821.3, NM_001127461.3, NM_001127462.3 and 1 more transcripts); c.1879C>A, p.Gln627Lys (NM_004895.5); short protein forms Q625K, Q627K.
Identifiers: ClinVar variation 4800148 (VCV004800148.1).

ClinVar aggregate classification (germline): Uncertain significance (1 of 4 stars; one submission).

Conditions:
Cryopyrin associated periodic syndrome (CAPS). Identifiers: Orphanet 208650, MedGen C2316212, MONDO:0016168.

Submission:

Labcorp Genetics (formerly Invitae), Labcorp
Classification: Uncertain significance for Cryopyrin associated periodic syndrome. Last evaluated: 2025-05-08. Review status: criteria provided, single submitter. Criteria: Invitae Variant Classification Sherloc (09022015). Collection method: clinical testing. Allele origin: germline.
Comment: This sequence change replaces glutamine, which is neutral and polar, with lysine, which is basic and polar, at codon 627 of the NLRP3 protein (p.Gln627Lys). This variant is not present in population databases (gnomAD no frequency). This variant has not been reported in the literature in individuals affected with NLRP3-related conditions. Invitae Evidence Modeling of protein sequence and biophysical properties (such as structural, functional, and spatial information, amino acid conservation, physicochemical variation, residue mobility, and thermodynamic stability) has been performed for this missense variant. However, the output from this modeling did not meet the statistical confidence thresholds required to predict the impact of this variant on NLRP3 protein function. In summary, the available evidence is currently insufficient to determine the role of this variant in disease. Therefore, it has been classified as a Variant of Uncertain Significance.